The following is an entry in ClinVar:

NM_000047.3(ARSL):c.1204G>A (p.Gly402Ser)

Gene: ARSL (arylsulfatase L; minus strand). Cytogenetic location: Xp22.33.
Variant type: single nucleotide variant.
Coding change: c.1204G>A on transcript NM_000047.3 (MANE Select); coding-DNA position 1204, G replaced by A.
Protein change: p.Gly402Ser; replaces glycine 402 with serine.
Molecular consequence: missense variant.
Genome position (GRCh38, 1-based): chrX:2,938,180, C>T on the plus strand (G>A on the coding strand, the complement: ARSL is on the minus strand). VCF-style: chrX-2938180-C-T. GRCh37 (hg19) VCF-style: chrX-2856221-C-T.
Other names: c.1279G>A, p.Gly427Ser (NM_001282628.2, NM_001369080.1); c.1042G>A, p.Gly348Ser (NM_001282631.2); c.1231G>A, p.Gly411Ser (NM_001369079.1); short protein forms G427S, G402S, G348S, G411S.
Identifiers: ClinVar variation 1947810 (VCV001947810.2), dbSNP rs779945606, ClinGen allele CA10338048.

ClinVar aggregate classification (germline): Uncertain significance (1 of 4 stars; one submission).

Conditions:
Chondrodysplasia punctata, brachytelephalangic, autosomal. Also called: BRACHYTELEPHALANGIC CHONDRODYSPLASIA PUNCTATA. Identifiers: MedGen C1844853, MONDO:0011238, OMIM 602497.

Allele frequency attached by ClinVar (database versions not stated): gnomAD exomes 0.00001; ExAC 0.00002; gnomAD 0.00003; TOPMed 0.00004.

Submission:

Labcorp Genetics (formerly Invitae), Labcorp
Classification: Uncertain significance for Chondrodysplasia punctata, brachytelephalangic, autosomal. Last evaluated: 2022-07-13. Review status: criteria provided, single submitter. Criteria: Invitae Variant Classification Sherloc (09022015). Collection method: clinical testing. Allele origin: germline.
Comment: This sequence change replaces glycine, which is neutral and non-polar, with serine, which is neutral and polar, at codon 402 of the ARSE protein (p.Gly402Ser). This variant is present in population databases (rs779945606, gnomAD 0.01%). This variant has not been reported in the literature in individuals affected with ARSE-related conditions. Algorithms developed to predict the effect of missense changes on protein structure and function are either unavailable or do not agree on the potential impact of this missense change (SIFT: "Deleterious"; PolyPhen-2: "Probably Damaging"; Align-GVGD: "Class C0"). In summary, the available evidence is currently insufficient to determine the role of this variant in disease. Therefore, it has been classified as a Variant of Uncertain Significance.